The following is an entry in ClinVar:

NM_002207.3(ITGA9):c.1210G>A (p.Gly404Ser)

Gene: ITGA9 (integrin subunit alpha 9; plus strand). Cytogenetic location: 3p22.2.
Variant type: single nucleotide variant.
Coding change: c.1210G>A on transcript NM_002207.3 (MANE Select); coding-DNA position 1210, G replaced by A.
Protein change: p.Gly404Ser; replaces glycine 404 with serine.
Molecular consequence: missense variant.
Genome position (GRCh38, 1-based): chr3:37,519,328, G>A. VCF-style: chr3-37519328-G-A. GRCh37 (hg19) VCF-style: chr3-37560819-G-A.
Other names: short protein forms G404S.
Identifiers: ClinVar variation 3037587 (VCV003037587.2), dbSNP rs3733139, ClinGen allele CA2310699.

ClinVar aggregate classification (germline): Likely benign (0 of 4 stars; one submission).

Conditions:
ITGA9-related disorder. Also called: ITGA9-related condition.

Allele frequency attached by ClinVar (database versions not stated): gnomAD exomes 0.00060; ESP Exome Variant Server 0.00085; gnomAD 0.00124; TOPMed 0.00151; ExAC 0.00249; 1000 Genomes Project 0.00639; 1000 Genomes Project 30x 0.00640.
gnomAD v4.1: 1,143 of 1,613,962 alleles (0.071%); highest among the groups gnomAD compares: East Asian, 1.9%; 17 homozygotes.

Submission:

PreventionGenetics, part of Exact Sciences
Classification: Likely benign for ITGA9-related condition. Last evaluated: 2019-05-02. Review status: no assertion criteria provided. Collection method: clinical testing. Allele origin: germline.
Comment: This variant is classified as likely benign based on ACMG/AMP sequence variant interpretation guidelines (Richards et al. 2015 PMID: 25741868, with internal and published modifications).